The following is an entry in ClinVar:

NM_001104631.2(PDE4D):c.42C>G (p.Ser14Arg)

Gene: PDE4D (phosphodiesterase 4D; minus strand). Cytogenetic location: 5q12.1.
Variant type: single nucleotide variant.
Coding change: c.42C>G on transcript NM_001104631.2 (MANE Select); coding-DNA position 42, C replaced by G.
Protein change: p.Ser14Arg; replaces serine 14 with arginine.
Molecular consequence: missense variant. On other transcripts: intron variant (5).
Genome position (GRCh38, 1-based): chr5:59,893,581, G>C on the plus strand (C>G on the coding strand, the complement: PDE4D is on the minus strand). VCF-style: chr5-59893581-G-C. GRCh37 (hg19) VCF-style: chr5-59189408-G-C.
Other names: c.272+94907C>G (NM_001364599.1, NM_001165899.2, NM_001364600.2); c.-240+94907C>G (NM_001349243.2); c.242+94907C>G (NM_001349241.2); short protein forms S14R.
Identifiers: ClinVar variation 1479569 (VCV001479569.6), dbSNP rs781502665, ClinGen allele CA359933219.

ClinVar aggregate classification (germline): Uncertain significance (1 of 4 stars; one submission).

Allele frequency attached by ClinVar (database versions not stated): TOPMed below 0.00001; gnomAD 0.00001.
gnomAD v4.1: 1 of 1,524,110 alleles (0.000066%); highest among the groups gnomAD compares: Non-Finnish European, 0.000088%; no homozygotes.

Submission:

Labcorp Genetics (formerly Invitae), Labcorp
Classification: Uncertain significance. Last evaluated: 2021-11-23. Review status: criteria provided, single submitter. Criteria: Invitae Variant Classification Sherloc (09022015). Collection method: clinical testing. Allele origin: germline.
Comment: Algorithms developed to predict the effect of missense changes on protein structure and function are either unavailable or do not agree on the potential impact of this missense change (SIFT: "Tolerated"; PolyPhen-2: "Not Available"; Align-GVGD: "Class C0"). This variant has not been reported in the literature in individuals affected with PDE4D-related conditions. This variant is not present in population databases (gnomAD no frequency). This sequence change replaces serine, which is neutral and polar, with arginine, which is basic and polar, at codon 14 of the PDE4D protein (p.Ser14Arg). In summary, the available evidence is currently insufficient to determine the role of this variant in disease. Therefore, it has been classified as a Variant of Uncertain Significance.